The following is an entry in ClinVar:

NM_000293.3(PHKB):c.1690A>G (p.Lys564Glu)

Gene: PHKB (phosphorylase kinase regulatory subunit beta; plus strand). Cytogenetic location: 16q12.1.
Variant type: single nucleotide variant.
Coding change: c.1690A>G on transcript NM_000293.3 (MANE Select); coding-DNA position 1690, A replaced by G.
Protein change: p.Lys564Glu; replaces lysine 564 with glutamic acid.
Molecular consequence: missense variant.
Genome position (GRCh38, 1-based): chr16:47,648,614, A>G. VCF-style: chr16-47648614-A-G. GRCh37 (hg19) VCF-style: chr16-47682525-A-G.
Other names: c.1669A>G, p.Lys557Glu (NM_001031835.3); c.1690A>G, p.Lys564Glu (NM_001363837.1); c.1690A>G (NM_000293.2); short protein forms K564E, K557E.
Identifiers: ClinVar variation 1899907 (VCV001899907.5), dbSNP rs375108693, ClinGen allele CA280208921.

ClinVar aggregate classification (germline): Uncertain significance. Review status: criteria provided, multiple submitters, no conflicts (2 of 4 stars). 2 submissions from 2 submitters: Uncertain significance (2). Last evaluated 2025-06-18.

Conditions:
Inborn genetic diseases. Identifiers: MedGen C0950123, MeSH D030342.
Glycogen storage disease IXb (GSD9B). Also called: PHOSPHORYLASE KINASE DEFICIENCY OF LIVER AND MUSCLE, AUTOSOMAL RECESSIVE; GLYCOGENOSIS OF LIVER AND MUSCLE, AUTOSOMAL RECESSIVE; GSD IXb. Identifiers: Orphanet 79240, MedGen C0543514, MONDO:0009868, OMIM 261750.

Allele frequency attached by ClinVar (database versions not stated): gnomAD exomes 0.00003; TOPMed 0.00003; gnomAD 0.00004; ESP Exome Variant Server 0.00008.
gnomAD v4.1: 55 of 1,606,638 alleles (0.0034%); highest among the groups gnomAD compares: Non-Finnish European, 0.0044%; no homozygotes.

Submissions (2):

Ambry Genetics
Classification: Uncertain significance for Inborn genetic diseases. Last evaluated: 2025-06-18. Review status: criteria provided, single submitter. Criteria: Ambry Variant Classification Scheme 2023. Collection method: clinical testing. Allele origin: germline.

Labcorp Genetics (formerly Invitae), Labcorp
Classification: Uncertain significance for Glycogen storage disease IXb. Last evaluated: 2022-03-18. Review status: criteria provided, single submitter. Criteria: Invitae Variant Classification Sherloc (09022015). Collection method: clinical testing. Allele origin: germline.
Comment: This sequence change replaces lysine, which is basic and polar, with glutamic acid, which is acidic and polar, at codon 564 of the PHKB protein (p.Lys564Glu). This variant is present in population databases (rs375108693, gnomAD 0.003%). This variant has not been reported in the literature in individuals affected with PHKB-related conditions. Algorithms developed to predict the effect of missense changes on protein structure and function (SIFT, PolyPhen-2, Align-GVGD) all suggest that this variant is likely to be disruptive. In summary, the available evidence is currently insufficient to determine the role of this variant in disease. Therefore, it has been classified as a Variant of Uncertain Significance.